The following is an entry in ClinVar:

ClinVar aggregate classification (germline): Uncertain significance (1 of 4 stars; one submission).

Conditions:
Inborn genetic diseases. Identifiers: MedGen C0950123, MeSH D030342.

Submission:

Ambry Genetics
Classification: Uncertain significance for Inborn genetic diseases. Last evaluated: 2025-01-15. Review status: criteria provided, single submitter. Criteria: Ambry Variant Classification Scheme 2023. Collection method: clinical testing. Allele origin: germline.
Comment: The p.P496L variant (also known as c.1487C>T), located in coding exon 16 of the FANCA gene, results from a C to T substitution at nucleotide position 1487. The proline at codon 496 is replaced by leucine, an amino acid with similar properties. This amino acid position is conserved. In addition, this alteration is predicted to be deleterious by in silico analysis. Based on the available evidence, the clinical significance of this variant remains unclear.

NM_000135.4(FANCA):c.1487C>T (p.Pro496Leu)

Gene: FANCA (FA complementation group A; minus strand). Cytogenetic location: 16q24.3.
Variant type: single nucleotide variant.
Coding change: c.1487C>T on transcript NM_000135.4 (MANE Select); coding-DNA position 1487, C replaced by T.
Protein change: p.Pro496Leu; replaces proline 496 with leucine.
Molecular consequence: missense variant.
Genome position (GRCh38, 1-based): chr16:89,783,086, G>A on the plus strand (C>T on the coding strand, the complement: FANCA is on the minus strand). VCF-style: chr16-89783086-G-A. GRCh37 (hg19) VCF-style: chr16-89849494-G-A.
Other names: c.1487C>T, p.Pro496Leu (NM_001286167.3); short protein forms P496L.
Identifiers: ClinVar variation 3848115 (VCV003848115.1).
Genomic context (GRCh38, chr16:89,783,086, plus strand): 5'-GTCTTGGCCAATGAGATGTAGTCTGTGAGGAGGGAGCGGTACTTGCCGGGAACCAGGGGT[G>A]GGTGGAGAATGTGCACCTGAGGATAGATAGCAGAGCGCAGCACCGTTAGTCTGGGAACTG-3'
Protein context (NP_000126.2, residues 486-506): PRYLQVHILH[Pro496Leu]PLVPGKYRSL